The following is an entry in ClinVar:

NM_000051.4(ATM):c.6796A>T (p.Lys2266Ter)

Genes: ATM (ATM serine/threonine kinase; plus strand), C11orf65 (chromosome 11 open reading frame 65; minus strand). Cytogenetic location: 11q22.3.
Variant type: single nucleotide variant.
Coding change: c.6796A>T on transcript NM_000051.4 (MANE Select); coding-DNA position 6796, A replaced by T.
Protein change: p.Lys2266Ter; replaces lysine 2266 with a stop codon.
Molecular consequence: nonsense. On other transcripts: intron variant (2).
Genome position (GRCh38, 1-based): chr11:108,325,533, A>T. VCF-style: chr11-108325533-A-T. GRCh37 (hg19) VCF-style: chr11-108196260-A-T.
Other names: c.6796A>T, p.Lys2266Ter (NM_001351834.2); c.641-16462T>A (NM_001330368.2); c.*38+9687T>A (NM_001351110.2); short protein forms K2266*.
Identifiers: ClinVar variation 1755472 (VCV001755472.2), dbSNP rs45481995, ClinGen allele CA382555551.

ClinVar aggregate classification (germline): Pathogenic (1 of 4 stars; one submission).

Conditions:
Hereditary cancer-predisposing syndrome. Also called: Hereditary neoplastic syndrome; Neoplastic Syndromes, Hereditary; Tumor predisposition; Hereditary Cancer Syndrome. Identifiers: Orphanet 140162, MedGen C0027672, MeSH D009386, MONDO:0015356.

Submission:

Ambry Genetics
Classification: Pathogenic for Hereditary cancer-predisposing syndrome. Last evaluated: 2022-05-14. Review status: criteria provided, single submitter. Criteria: Ambry Variant Classification Scheme 2023. Collection method: clinical testing. Allele origin: germline.
Comment: The p.K2266* pathogenic mutation (also known as c.6796A>T), located in coding exon 45 of the ATM gene, results from an A to T substitution at nucleotide position 6796. This changes the amino acid from a lysine to a stop codon within coding exon 45. This variant is considered to be rare based on population cohorts in the Genome Aggregation Database (gnomAD). This alteration is expected to result in loss of function by premature protein truncation or nonsense-mediated mRNA decay. As such, this alteration is interpreted as a disease-causing mutation.